The following is an entry in ClinVar:

ClinVar aggregate classification (germline): Uncertain significance (1 of 4 stars; one submission).

gnomAD v4.1: 2 of 1,603,252 alleles (0.00012%); highest among the groups gnomAD compares: Non-Finnish European, 0.00017%; no homozygotes.

Submission:

Labcorp Genetics (formerly Invitae), Labcorp
Classification: Uncertain significance. Last evaluated: 2025-06-15. Review status: criteria provided, single submitter. Criteria: Invitae Variant Classification Sherloc (09022015). Collection method: clinical testing. Allele origin: germline.
Comment: This sequence change replaces asparagine, which is neutral and polar, with aspartic acid, which is acidic and polar, at codon 1989 of the TANC2 protein (p.Asn1989Asp). This variant is not present in population databases (gnomAD no frequency). This variant has not been reported in the literature in individuals affected with TANC2-related conditions. An algorithm developed to predict the effect of missense changes on protein structure and function (PolyPhen-2) suggests that this variant is likely to be disruptive. In summary, the available evidence is currently insufficient to determine the role of this variant in disease. Therefore, it has been classified as a Variant of Uncertain Significance.

NM_001394998.1(TANC2):c.6217A>G (p.Asn2073Asp)

Gene: TANC2 (tetratricopeptide repeat, ankyrin repeat and coiled-coil containing 2; plus strand). Cytogenetic location: 17q23.3.
Variant type: single nucleotide variant.
Coding change: c.6217A>G on transcript NM_001394998.1 (MANE Select); coding-DNA position 6217, A replaced by G.
Protein change: p.Asn2073Asp; replaces asparagine 2073 with aspartic acid.
Molecular consequence: missense variant.
Genome position (GRCh38, 1-based): chr17:63,421,947, A>G. VCF-style: chr17-63421947-A-G. GRCh37 (hg19) VCF-style: chr17-61499308-A-G.
Other names: c.5995A>G, p.Asn1999Asp (NM_001411076.1); c.5965A>G, p.Asn1989Asp (NM_025185.4); short protein forms N2073D, N1989D, N1999D.
Identifiers: ClinVar variation 4721517 (VCV004721517.1).